The following is an entry in ClinVar:

NM_007315.4(STAT1):c.670A>T (p.Thr224Ser)

Gene: STAT1 (signal transducer and activator of transcription 1; minus strand). Cytogenetic location: 2q32.2.
Variant type: single nucleotide variant.
Coding change: c.670A>T on transcript NM_007315.4 (MANE Select); coding-DNA position 670, A replaced by T.
Protein change: p.Thr224Ser; replaces threonine 224 with serine.
Molecular consequence: missense variant.
Genome position (GRCh38, 1-based): chr2:190,997,971, T>A on the plus strand (A>T on the coding strand, the complement: STAT1 is on the minus strand). VCF-style: chr2-190997971-T-A. GRCh37 (hg19) VCF-style: chr2-191862697-T-A.
Other names: c.670A>T, p.Thr224Ser (NM_001384880.1, NM_001384882.1, NM_001384885.1 and 5 more transcripts); c.676A>T, p.Thr226Ser (NM_001384881.1, NM_001384884.1); c.571A>T, p.Thr191Ser (NM_001384883.1); c.580A>T, p.Thr194Ser (NM_001384890.1); c.706A>T, p.Thr236Ser (NM_001384891.1); c.670A>T (NM_007315.3); short protein forms T236S, T226S, T191S, T194S, T224S.
Identifiers: ClinVar variation 1364769 (VCV001364769.9), dbSNP rs771750276, ClinGen allele CA2030165.
Genomic context (GRCh38, chr2:190,997,971, plus strand): 5'-GCTGTCTCCGCTTCCACTCCACTAGTTCATCATTAATCAGGGCATTCTGGGTAAGTTCAG[T>A]GACATTCAGCAACTCTATTATTTTGTGAACTACTTCCTAAAGGCAATAGAAGAAACAAAG-3'
Protein context (NP_009330.1, residues 214-234): VHKIIELLNV[Thr224Ser]ELTQNALIND

ClinVar aggregate classification (germline): Uncertain significance. Review status: criteria provided, multiple submitters, no conflicts (2 of 4 stars). 2 submissions from 2 submitters: Uncertain significance (2). Last evaluated 2024-02-20.

Conditions:
Inborn genetic diseases. Identifiers: MedGen C0950123, MeSH D030342.
Mendelian susceptibility to mycobacterial diseases due to partial STAT1 deficiency. Also called: Immunodeficiency 31a; IMMUNODEFICIENCY 31A, MYCOBACTERIOSIS, AUTOSOMAL DOMINANT; STAT1 DEFICIENCY, AUTOSOMAL DOMINANT. Identifiers: Orphanet 319595, MedGen C4013950, MONDO:0013956, OMIM 614892.
Autoimmune enteropathy and endocrinopathy - susceptibility to chronic infections syndrome. Also called: Immunodeficiency 31C; Immunodeficiency 31C, autosomal dominant. Identifiers: Orphanet 391487, MedGen C3279990, MONDO:0013599, OMIM 614162.
Immunodeficiency 31B. Also called: STAT1 DEFICIENCY, AUTOSOMAL RECESSIVE; IMMUNODEFICIENCY 31B, MYCOBACTERIAL AND VIRAL INFECTIONS, AUTOSOMAL RECESSIVE. Identifiers: Orphanet 391311, MedGen C3151088, MONDO:0013427, OMIM 613796.

Allele frequency attached by ClinVar (database versions not stated): gnomAD 0.00002 and 0.00004; TOPMed 0.00002; gnomAD exomes 0.00009; ExAC 0.00010.
gnomAD v4.1: 66 of 1,614,112 alleles (0.0041%); highest among the groups gnomAD compares: South Asian, 0.053%; no homozygotes.

Submissions (2):

Labcorp Genetics (formerly Invitae), Labcorp
Classification: Uncertain significance for Mendelian susceptibility to mycobacterial diseases due to partial STAT1 deficiency; Immunodeficiency 31B; Autoimmune enteropathy and endocrinopathy - susceptibility to chronic infections syndrome. Last evaluated: 2024-02-20. Review status: criteria provided, single submitter. Criteria: Invitae Variant Classification Sherloc (09022015). Collection method: clinical testing. Allele origin: germline.
Comment: This sequence change replaces threonine, which is neutral and polar, with serine, which is neutral and polar, at codon 224 of the STAT1 protein (p.Thr224Ser). This variant is present in population databases (rs771750276, gnomAD 0.07%). This variant has not been reported in the literature in individuals affected with STAT1-related conditions. ClinVar contains an entry for this variant (Variation ID: 1364769). An algorithm developed to predict the effect of missense changes on protein structure and function (PolyPhen-2) suggests that this variant is likely to be tolerated. In summary, the available evidence is currently insufficient to determine the role of this variant in disease. Therefore, it has been classified as a Variant of Uncertain Significance.

Ambry Genetics
Classification: Uncertain significance for Inborn genetic diseases. Last evaluated: 2021-10-12. Review status: criteria provided, single submitter. Criteria: Ambry Variant Classification Scheme 2023. Collection method: clinical testing. Allele origin: germline.